The following is an entry in ClinVar:

ClinVar aggregate classification (germline): Benign. Review status: criteria provided, multiple submitters, no conflicts (2 of 4 stars). 6 submissions from 4 submitters: Benign (6). Last evaluated 2024-07-31.

Conditions:
Dyskinesia with orofacial involvement, autosomal recessive. Identifiers: MedGen C5562036, MONDO:0030625, OMIM 619647.
Neurodevelopmental disorder with hyperkinetic movements and dyskinesia. Identifiers: MedGen C5562038, MONDO:0859211, OMIM 619651.
Dyskinesia with orofacial involvement, autosomal dominant (DSKOD). Also called: Dyskinesia, familial, with facial myokymia; Familial dyskinesia and facial myokymia; Familial Dyskinesia with Facial Myokymia (FDFM). Identifiers: Orphanet 324588, MedGen C1847627, MONDO:0800028, OMIM 606703.

Allele frequency attached by ClinVar (database versions not stated): 1000 Genomes Project 30x 0.23454; 1000 Genomes Project 0.23482; TOPMed 0.28759; gnomAD exomes 0.28878; gnomAD 0.29741 and 0.30133; ExAC 0.29820; ESP Exome Variant Server 0.31831.
gnomAD v4.1: 516,138 of 1,591,628 alleles (32%); highest among the groups gnomAD compares: Non-Finnish European, 35%; 86,063 homozygotes.

Submissions (6):

Unidad de Genómica Garrahan, Hospital de Pediatría Garrahan
Classification: Benign. Last evaluated: 2024-07-31. Review status: criteria provided, single submitter. Criteria: ACMG Guidelines, 2015. Collection method: clinical testing. Allele origin: germline. Affected: no. Observed: 31 variant alleles.
Comment: This variant is classified as Benign based on local population frequency. This variant was detected in 33% of patients studied in a panel designed for Epileptic and Developmental Encephalopathy, Progressive Myoclonus Epilepsy and Abnormal Movements and Neurodegeneration with brain iron accumulation. Number of patients: 31. Only high quality variants are reported.

Genome-Nilou Lab
Classification: Benign for Dyskinesia with orofacial involvement, autosomal dominant. Last evaluated: 2021-12-05. Review status: criteria provided, single submitter. Criteria: ACMG Guidelines, 2015. Collection method: clinical testing. Allele origin: germline. Affected: no.

Genome-Nilou Lab
Classification: Benign for Dyskinesia with orofacial involvement, autosomal recessive. Last evaluated: 2021-12-05. Review status: criteria provided, single submitter. Criteria: ACMG Guidelines, 2015. Collection method: clinical testing. Allele origin: germline. Affected: no.

Genome-Nilou Lab
Classification: Benign for Neurodevelopmental disorder with hyperkinetic movements and dyskinesia. Last evaluated: 2021-12-05. Review status: criteria provided, single submitter. Criteria: ACMG Guidelines, 2015. Collection method: clinical testing. Allele origin: germline. Affected: no.

GeneDx
Classification: Benign. Last evaluated: 2018-08-14. Review status: criteria provided, single submitter. Criteria: GeneDx Variant Classification Process June 2021. Collection method: clinical testing. Allele origin: germline. Affected: yes.

Breakthrough Genomics
Classification: Benign. Review status: criteria provided, single submitter. Criteria: ACMG Guidelines, 2015. Collection method: not provided. Allele origin: germline. Inheritance: Autosomal recessive inheritance. Affected: yes.

NM_183357.3(ADCY5):c.1646+29C>A

Gene: ADCY5 (adenylate cyclase 5; minus strand). Cytogenetic location: 3q21.1.
Variant type: single nucleotide variant.
Coding change: c.1646+29C>A on transcript NM_183357.3 (MANE Select); 29 bases into the intron after coding-DNA position 1646, C replaced by A.
Molecular consequence: intron variant.
Genome position (GRCh38, 1-based): chr3:123,330,860, G>T on the plus strand (C>A on the coding strand, the complement: ADCY5 is on the minus strand). VCF-style: chr3-123330860-G-T. GRCh37 (hg19) VCF-style: chr3-123049707-G-T.
Other names: c.1646+29C>A (NM_001378259.1); c.596+29C>A (NM_001199642.1).
Identifiers: ClinVar variation 1287850 (VCV001287850.5), dbSNP rs9829332, ClinGen allele CA2577408.